The following is an entry in ClinVar:

NM_004281.4(BAG3):c.1446C>G (p.Asp482Glu)

Gene: BAG3 (BAG cochaperone 3; plus strand). Cytogenetic location: 10q26.11.
Variant type: single nucleotide variant.
Coding change: c.1446C>G on transcript NM_004281.4 (MANE Select); coding-DNA position 1446, C replaced by G.
Protein change: p.Asp482Glu; replaces aspartic acid 482 with glutamic acid.
Molecular consequence: missense variant.
Genome position (GRCh38, 1-based): chr10:119,677,000, C>G. VCF-style: chr10-119677000-C-G. GRCh37 (hg19) VCF-style: chr10-121436512-C-G.
Other names: short protein forms D482E.
Identifiers: ClinVar variation 3365405 (VCV003365405.2).
Genomic context (GRCh38, chr10:119,677,000, plus strand): 5'-GCTGGCCCTGGATTCAGTGGACCCCGAGGGACGAGCCGATGTGCGTCAGGCCAGGAGAGA[C>G]GGTGTCAGGAAGGTTCAGACCATCTTGGAAAAACTTGAACAGAAAGCCATTGATGTCCCA-3'
Protein context (NP_004272.2, residues 472-492): GRADVRQARR[Asp482Glu]GVRKVQTILE

ClinVar aggregate classification (germline): Uncertain significance. Review status: criteria provided, multiple submitters, no conflicts (2 of 4 stars). 2 submissions from 2 submitters: Uncertain significance (2). Last evaluated 2024-06-26.

Conditions:
Cardiovascular phenotype. Identifiers: MedGen CN230736.

gnomAD v4.1: 1 of 1,614,158 alleles (0.000062%); highest among the groups gnomAD compares: East Asian, 0.0022%; no homozygotes.

Submissions (2):

Ambry Genetics
Classification: Uncertain significance for Cardiovascular phenotype. Last evaluated: 2024-06-26. Review status: criteria provided, single submitter. Criteria: Ambry Variant Classification Scheme 2023. Collection method: clinical testing. Allele origin: germline.
Comment: The p.D482E variant (also known as c.1446C>G), located in coding exon 4 of the BAG3 gene, results from a C to G substitution at nucleotide position 1446. The aspartic acid at codon 482 is replaced by glutamic acid, an amino acid with highly similar properties. This amino acid position is conserved. In addition, the in silico prediction for this alteration is inconclusive. Based on the available evidence, the clinical significance of this variant remains unclear.

GeneDx
Classification: Uncertain significance. Last evaluated: 2023-12-08. Review status: criteria provided, single submitter. Criteria: GeneDx Variant Classification Process June 2021. Collection method: clinical testing. Allele origin: germline. Affected: yes.
Comment: Not observed at significant frequency in large population cohorts (gnomAD); In silico analysis supports that this missense variant does not alter protein structure/function; Has not been previously published as pathogenic or benign to our knowledge; This variant is associated with the following publications: (PMID: 20001957)